The following is an entry in ClinVar:

NM_004006.3(DMD):c.2974C>T (p.Gln992Ter)

Gene: DMD (dystrophin; minus strand). Cytogenetic location: Xp21.1.
Variant type: single nucleotide variant.
Coding change: c.2974C>T on transcript NM_004006.3 (MANE Select); coding-DNA position 2974, C replaced by T.
Protein change: p.Gln992Ter; replaces glutamine 992 with a stop codon.
Molecular consequence: nonsense.
Genome position (GRCh38, 1-based): chrX:32,468,686, G>A on the plus strand (C>T on the coding strand, the complement: DMD is on the minus strand). VCF-style: chrX-32468686-G-A. GRCh37 (hg19) VCF-style: chrX-32486803-G-A.
Other names: c.2950C>T, p.Gln984Ter (NM_000109.4); c.2962C>T, p.Gln988Ter (NM_004009.3); c.2605C>T, p.Gln869Ter (NM_004010.3); short protein forms Q869*, Q984*, Q988*, Q992*.
Identifiers: ClinVar variation 1322386 (VCV001322386.11), dbSNP rs2148460570, ClinGen allele CA412667145.

ClinVar aggregate classification (germline): Pathogenic. Review status: criteria provided, multiple submitters, no conflicts (2 of 4 stars). 2 submissions from 2 submitters: Pathogenic (2). Last evaluated 2022-08-16.

Conditions:
Duchenne muscular dystrophy (DMD). Also called: MUSCULAR DYSTROPHY, PSEUDOHYPERTROPHIC PROGRESSIVE, DUCHENNE TYPE; Duchenne Muscular Dystrophy (DMD). Identifiers: Orphanet 98896, MedGen C0013264, MONDO:0010679, OMIM 310200.

Submissions (2):

Revvity Omics, Revvity
Classification: Pathogenic. Last evaluated: 2022-08-16. Review status: criteria provided, single submitter. Criteria: ACMG Guidelines, 2015. Collection method: clinical testing. Allele origin: germline.

Labcorp Genetics (formerly Invitae), Labcorp
Classification: Pathogenic for Duchenne muscular dystrophy. Last evaluated: 2021-04-17. Review status: criteria provided, single submitter. Criteria: Invitae Variant Classification Sherloc (09022015). Collection method: clinical testing. Allele origin: germline.
Comment: For these reasons, this variant has been classified as Pathogenic. This variant has been observed in individual(s) with Duchenne muscular dystrophy (PMID: 17259292). This variant is not present in population databases (ExAC no frequency). This sequence change creates a premature translational stop signal (p.Gln992*) in the DMD gene. It is expected to result in an absent or disrupted protein product. Loss-of-function variants in DMD are known to be pathogenic (PMID: 16770791, 25007885).

Literature cited by the submitters: PubMed 17259292 (cited by Labcorp Genetics (formerly Invitae), Labcorp); PubMed 16770791 (cited by Labcorp Genetics (formerly Invitae), Labcorp); PubMed 25007885 (cited by Labcorp Genetics (formerly Invitae), Labcorp).